The following is an entry in ClinVar:

ClinVar aggregate classification (germline): Pathogenic (1 of 4 stars; one submission).

Conditions:
Primary ciliary dyskinesia. Also called: Ciliary dyskinesia. Identifiers: Orphanet 244, MedGen C0008780, MONDO:0016575, HP:0012265.

Allele frequency attached by ClinVar (database versions not stated): gnomAD exomes below 0.00001.
gnomAD v4.1: 1 of 1,612,220 alleles (0.000062%); highest among the groups gnomAD compares: Non-Finnish European, 0.000085%; no homozygotes.

Submission:

Labcorp Genetics (formerly Invitae), Labcorp
Classification: Pathogenic for Primary ciliary dyskinesia. Last evaluated: 2021-08-07. Review status: criteria provided, single submitter. Criteria: Invitae Variant Classification Sherloc (09022015). Collection method: clinical testing. Allele origin: germline.
Comment: For these reasons, this variant has been classified as Pathogenic. Algorithms developed to predict the effect of sequence changes on RNA splicing suggest that this variant may create or strengthen a splice site. This variant has not been reported in the literature in individuals affected with DNAH5-related conditions. This variant is not present in population databases (ExAC no frequency). This sequence change creates a premature translational stop signal (p.Trp4239*) in the DNAH5 gene. It is expected to result in an absent or disrupted protein product. Loss-of-function variants in DNAH5 are known to be pathogenic (PMID: 11788826, 16627867).

Literature cited by the submitters: PubMed 11788826; PubMed 16627867.

NM_001369.3(DNAH5):c.12716G>A (p.Trp4239Ter)

Gene: DNAH5 (dynein axonemal heavy chain 5; minus strand). Cytogenetic location: 5p15.2.
Variant type: single nucleotide variant.
Coding change: c.12716G>A on transcript NM_001369.3 (MANE Select); coding-DNA position 12716, G replaced by A.
Protein change: p.Trp4239Ter; replaces tryptophan 4239 with a stop codon.
Molecular consequence: nonsense.
Genome position (GRCh38, 1-based): chr5:13,716,680, C>T on the plus strand (G>A on the coding strand, the complement: DNAH5 is on the minus strand). VCF-style: chr5-13716680-C-T. GRCh37 (hg19) VCF-style: chr5-13716789-C-T.
Other names: short protein forms W4239*.
Identifiers: ClinVar variation 1367750 (VCV001367750.6), dbSNP rs1744320103, ClinGen allele CA359204648.
Genomic context (GRCh38, chr5:13,716,680, plus strand): 5'-TAGTCGTCAGTGACTCTGCCTCCATATTGAATCTCTCCTATCATGTAGCGGATGGTGGTC[C>T]AGGAGACACCCTGGGAAATTTTATAGAATAATTATGTAGAACTGACTACCGTTGCATTAT-3'